The following is an entry in ClinVar:

ClinVar aggregate classification (germline): Uncertain significance (1 of 4 stars; one submission).

gnomAD v4.1: 1 of 1,500,460 alleles (0.000067%); no homozygotes.

Submission:

Labcorp Genetics (formerly Invitae), Labcorp
Classification: Uncertain significance. Last evaluated: 2022-12-15. Review status: criteria provided, single submitter. Criteria: Invitae Variant Classification Sherloc (09022015). Collection method: clinical testing. Allele origin: germline.
Comment: This variant has not been reported in the literature in individuals affected with MRAS-related conditions. This variant is not present in population databases (gnomAD no frequency). This sequence change replaces asparagine, which is neutral and polar, with serine, which is neutral and polar, at codon 58 of the MRAS protein (p.Asn58Ser). In summary, the available evidence is currently insufficient to determine the role of this variant in disease. Therefore, it has been classified as a Variant of Uncertain Significance. Algorithms developed to predict the effect of missense changes on protein structure and function (SIFT, PolyPhen-2, Align-GVGD) all suggest that this variant is likely to be tolerated.

NM_001085049.3(MRAS):c.173A>G (p.Asn58Ser)

Gene: MRAS (muscle RAS oncogene homolog; plus strand). Cytogenetic location: 3q22.3.
Variant type: single nucleotide variant.
Coding change: c.173A>G on transcript NM_001085049.3 (MANE Select); coding-DNA position 173, A replaced by G.
Protein change: p.Asn58Ser; replaces asparagine 58 with serine.
Molecular consequence: missense variant. On other transcripts: intron variant (3).
Genome position (GRCh38, 1-based): chr3:138,373,056, A>G. VCF-style: chr3-138373056-A-G. GRCh37 (hg19) VCF-style: chr3-138091898-A-G.
Other names: c.173A>G, p.Asn58Ser (NM_001252090.2, NM_012219.4); c.-35-24268A>G (NM_001252091.1, NM_001252093.2); c.-36+24024A>G (NM_001252092.2); short protein forms N58S.
Identifiers: ClinVar variation 2798283 (VCV002798283.3), dbSNP rs2474072709, ClinGen allele CA354672589.
Genomic context (GRCh38, chr3:138,373,056, plus strand): 5'-TTGTGCCTGACTATGACCCCACCATTGAAGACTCCTACCTGAAACATACGGAGATTGACA[A>G]TCAATGGGCCATCTTGGACGGTGAGACCTGGGTGGCAGCCCTGCATTGGGTGGGATAGTA-3'
Protein context (NP_001078518.1, residues 48-68): DSYLKHTEID[Asn58Ser]QWAILDVLDT